The following is an entry in ClinVar:

NM_000781.3(CYP11A1):c.86G>A (p.Arg29His)

Gene: CYP11A1 (cytochrome P450 family 11 subfamily A member 1; minus strand). Cytogenetic location: 15q24.1.
Variant type: single nucleotide variant.
Coding change: c.86G>A on transcript NM_000781.3 (MANE Select); coding-DNA position 86, G replaced by A.
Protein change: p.Arg29His; replaces arginine 29 with histidine.
Molecular consequence: missense variant.
Genome position (GRCh38, 1-based): chr15:74,367,500, C>T on the plus strand (G>A on the coding strand, the complement: CYP11A1 is on the minus strand). VCF-style: chr15-74367500-C-T. GRCh37 (hg19) VCF-style: chr15-74659841-C-T.
Other names: short protein forms R29H.
Identifiers: ClinVar variation 317134 (VCV000317134.8), dbSNP rs150725205, ClinGen allele CA7656692.

ClinVar aggregate classification (germline): Uncertain significance. Review status: criteria provided, multiple submitters, no conflicts (2 of 4 stars). 3 submissions from 3 submitters: Uncertain significance (3). Last evaluated 2024-06-23.

Conditions:
Congenital adrenal insufficiency with 46, XY sex reversal OR 46,XY disorder of sex development-adrenal insufficiency due to CYP11A1 deficiency. Also called: P450scc DEFICIENCY; Congenital adrenal insuffiency with 46, XY sex reversal OR 46,XY disorder of sex development-adrenal insufficiency due to CYP11A1 deficiency. Identifiers: Orphanet 168558, MedGen C3151055, MONDO:0013400, OMIM 613743.

Allele frequency attached by ClinVar (database versions not stated): ExAC 0.00017; gnomAD exomes 0.00022; gnomAD 0.00029 and 0.00031; ESP Exome Variant Server 0.00031; TOPMed 0.00031.

Submissions (3):

GeneDx
Classification: Uncertain significance. Last evaluated: 2024-06-23. Review status: criteria provided, single submitter. Criteria: GeneDx Variant Classification Process June 2021. Collection method: clinical testing. Allele origin: germline. Affected: yes.
Comment: In silico analysis indicates that this missense variant does not alter protein structure/function; Has not been previously published as pathogenic or benign to our knowledge

Fulgent Genetics
Classification: Uncertain significance for Congenital adrenal insufficiency with 46, XY sex reversal OR 46,XY disorder of sex development-adrenal insufficiency due to CYP11A1 deficiency. Last evaluated: 2024-04-15. Review status: criteria provided, single submitter. Criteria: ACMG Guidelines, 2015. Collection method: clinical testing. Allele origin: germline.

Illumina Laboratory Services, Illumina
Classification: Uncertain significance for Congenital adrenal insufficiency with 46, XY sex reversal OR 46,XY disorder of sex development-adrenal insufficiency due to CYP11A1 deficiency. Last evaluated: 2018-01-13. Review status: criteria provided, single submitter. Criteria: ICSL Variant Classification Criteria 13 December 2019. Collection method: clinical testing. Allele origin: germline.